The following is an entry in ClinVar:

ClinVar aggregate classification (germline): Uncertain significance (1 of 4 stars; one submission).

gnomAD v4.1: 3 of 1,572,518 alleles (0.00019%); highest among the groups gnomAD compares: African/African-American, 0.0027%; no homozygotes.

Submission:

Labcorp Genetics (formerly Invitae), Labcorp
Classification: Uncertain significance. Last evaluated: 2026-01-06. Review status: criteria provided, single submitter. Criteria: Invitae Variant Classification Sherloc (09022015). Collection method: clinical testing. Allele origin: germline.
Comment: This sequence change replaces threonine, which is neutral and polar, with asparagine, which is neutral and polar, at codon 386 of the BACH2 protein (p.Thr386Asn). This variant is present in population databases (rs780888286, gnomAD 0.007%). This variant has not been reported in the literature in individuals affected with BACH2-related conditions. Invitae Evidence Modeling of protein sequence and biophysical properties (such as structural, functional, and spatial information, amino acid conservation, physicochemical variation, residue mobility, and thermodynamic stability) indicates that this missense variant is not expected to disrupt BACH2 protein function with a negative predictive value of 80%. In summary, the available evidence is currently insufficient to determine the role of this variant in disease. Therefore, it has been classified as a Variant of Uncertain Significance.

NM_021813.4(BACH2):c.1157C>A (p.Thr386Asn)

Gene: BACH2 (BACH transcriptional regulator 2; minus strand). Cytogenetic location: 6q15.
Variant type: single nucleotide variant.
Coding change: c.1157C>A on transcript NM_021813.4 (MANE Select); coding-DNA position 1157, C replaced by A.
Protein change: p.Thr386Asn; replaces threonine 386 with asparagine.
Molecular consequence: missense variant.
Genome position (GRCh38, 1-based): chr6:89,950,949, G>T on the plus strand (C>A on the coding strand, the complement: BACH2 is on the minus strand). VCF-style: chr6-89950949-G-T. GRCh37 (hg19) VCF-style: chr6-90660668-G-T.
Other names: c.1157C>A, p.Thr386Asn (NM_001170794.2); short protein forms T386N.
Identifiers: ClinVar variation 4745075 (VCV004745075.1).